The following is an entry in ClinVar:

NM_001083962.2(TCF4):c.608C>A (p.Ser203Tyr)

Gene: TCF4 (transcription factor 4; minus strand). Cytogenetic location: 18q21.2.
Variant type: single nucleotide variant.
Coding change: c.608C>A on transcript NM_001083962.2 (MANE Select); coding-DNA position 608, C replaced by A.
Protein change: p.Ser203Tyr; replaces serine 203 with tyrosine.
Molecular consequence: missense variant. On other transcripts: 5 prime UTR variant (1).
Genome position (GRCh38, 1-based): chr18:55,279,598, G>T on the plus strand (C>A on the coding strand, the complement: TCF4 is on the minus strand). VCF-style: chr18-55279598-G-T. GRCh37 (hg19) VCF-style: chr18-52946829-G-T.
Other names: c.914C>A, p.Ser305Tyr (NM_001243226.3); c.536C>A, p.Ser179Tyr (NM_001243227.2, NM_001348217.1, NM_001348218.2 and 9 more transcripts); c.626C>A, p.Ser209Tyr (NM_001243228.2); c.602C>A, p.Ser201Tyr (NM_001243230.2); c.482C>A, p.Ser161Tyr (NM_001243231.2, NM_001348211.2); c.218C>A, p.Ser73Tyr (NM_001348212.2, NM_001348213.2, NM_001243233.2 and 1 more transcripts); c.128C>A, p.Ser43Tyr (NM_001348214.2, NM_001348216.2, NM_001243234.2 and 2 more transcripts); c.-41C>A (NM_001348215.2); and 4 more; short protein forms S201Y, S43Y, S161Y, S209Y, S305Y, S203Y, S73Y, S132Y.
Identifiers: ClinVar variation 4746362 (VCV004746362.1).
Genomic context (GRCh38, chr18:55,279,598, plus strand): 5'-AGCAGCATCTTACCTTGCATGAAGAAGGAGCTAGGGAAAGTGCTGGTTGCTGGTTTGGAG[G>T]AAGGATAGCCTGGCGAGTCCCTATTGTAGTCGGCAGTGCTTGCTGATGGAGCATAGACCT-3'
Protein context (NP_001077431.1, residues 193-213): DYNRDSPGYP[Ser203Tyr]SKPATSTFPS

ClinVar aggregate classification (germline): Uncertain significance (1 of 4 stars; one submission).

Conditions:
Pitt-Hopkins syndrome (PTHS). Also called: ENCEPHALOPATHY, SEVERE EPILEPTIC, WITH AUTONOMIC DYSFUNCTION; MENTAL RETARDATION, SYNDROMAL, WITH INTERMITTENT HYPERVENTILATION. Identifiers: Orphanet 2896, MedGen C1970431, MONDO:0012589, OMIM 610954.

Submission:

Labcorp Genetics (formerly Invitae), Labcorp
Classification: Uncertain significance for Pitt-Hopkins syndrome. Last evaluated: 2025-08-24. Review status: criteria provided, single submitter. Criteria: Invitae Variant Classification Sherloc (09022015). Collection method: clinical testing. Allele origin: germline.
Comment: This sequence change replaces serine, which is neutral and polar, with tyrosine, which is neutral and polar, at codon 203 of the TCF4 protein (p.Ser203Tyr). This variant is not present in population databases (gnomAD no frequency). This variant has not been reported in the literature in individuals affected with TCF4-related conditions. Invitae Evidence Modeling of protein sequence and biophysical properties (such as structural, functional, and spatial information, amino acid conservation, physicochemical variation, residue mobility, and thermodynamic stability) has been performed for this missense variant. However, the output from this modeling did not meet the statistical confidence thresholds required to predict the impact of this variant on TCF4 protein function. In summary, the available evidence is currently insufficient to determine the role of this variant in disease. Therefore, it has been classified as a Variant of Uncertain Significance.